The following is an entry in ClinVar:

NM_014633.5(CTR9):c.3385G>C (p.Glu1129Gln)

Gene: CTR9 (CTR9 component of Paf1/RNA polymerase II complex; plus strand). Cytogenetic location: 11p15.4.
Variant type: single nucleotide variant.
Coding change: c.3385G>C on transcript NM_014633.5 (MANE Select); coding-DNA position 3385, G replaced by C.
Protein change: p.Glu1129Gln; replaces glutamic acid 1129 with glutamine.
Molecular consequence: missense variant.
Genome position (GRCh38, 1-based): chr11:10,778,968, G>C. VCF-style: chr11-10778968-G-C. GRCh37 (hg19) VCF-style: chr11-10800515-G-C.
Other names: c.3313G>C, p.Glu1105Gln (NM_001346279.2); short protein forms E1105Q, E1129Q.
Identifiers: ClinVar variation 2956143 (VCV002956143.3), dbSNP rs779395806, ClinGen allele CA379679661.

ClinVar aggregate classification (germline): Uncertain significance (1 of 4 stars; one submission).

Submission:

Labcorp Genetics (formerly Invitae), Labcorp
Classification: Uncertain significance. Last evaluated: 2024-12-07. Review status: criteria provided, single submitter. Criteria: Invitae Variant Classification Sherloc (09022015). Collection method: clinical testing. Allele origin: germline.
Comment: This sequence change replaces glutamic acid, which is acidic and polar, with glutamine, which is neutral and polar, at codon 1129 of the CTR9 protein (p.Glu1129Gln). This variant is not present in population databases (gnomAD no frequency). This variant has not been reported in the literature in individuals affected with CTR9-related conditions. ClinVar contains an entry for this variant (Variation ID: 2956143). An algorithm developed to predict the effect of missense changes on protein structure and function (PolyPhen-2) suggests that this variant is likely to be disruptive. In summary, the available evidence is currently insufficient to determine the role of this variant in disease. Therefore, it has been classified as a Variant of Uncertain Significance.